The following is an entry in ClinVar:

NM_001368882.1(COL13A1):c.358C>T (p.Pro120Ser)

Gene: COL13A1 (collagen type XIII alpha 1 chain; plus strand). Cytogenetic location: 10q22.1.
Variant type: single nucleotide variant.
Coding change: c.358C>T on transcript NM_001368882.1 (MANE Select); coding-DNA position 358, C replaced by T.
Protein change: p.Pro120Ser; replaces proline 120 with serine.
Molecular consequence: missense variant. On other transcripts: 5 prime UTR variant (1).
Genome position (GRCh38, 1-based): chr10:69,822,432, C>T. VCF-style: chr10-69822432-C-T. GRCh37 (hg19) VCF-style: chr10-71582188-C-T.
Other names: p.Pro120Ser; c.358C>T, p.Pro120Ser (NM_001130103.2, NM_001320951.2, NM_001368883.1 and 11 more transcripts); c.-296C>T (NM_001368886.1); short protein forms P120S.
Identifiers: ClinVar variation 782866 (VCV000782866.15), dbSNP rs79135400, ClinGen allele CA5534056.
Genomic context (GRCh38, chr10:69,822,432, plus strand): 5'-TGGAAGCTCCACTCAAGGAGGCGCCGGGAGGCCCCAAAGACATCTCCAGGATGTAACTGC[C>T]CACCAGGTAAGCAGCCCTGCAAATAGGTGACCGCGGATGTTCCTAAGACTGAGACCAGAG-3'
Protein context (NP_001355811.1, residues 110-130): APKTSPGCNC[Pro120Ser]PGPPGPTGRP

ClinVar aggregate classification (germline): Benign. Review status: criteria provided, multiple submitters, no conflicts (2 of 4 stars). 5 submissions from 5 submitters: Benign (4). 1 of the submissions does not count toward it. Last evaluated 2026-02-01.

Conditions:
COL13A1-related disorder. Also called: COL13A1-related condition.

Allele frequency attached by ClinVar (database versions not stated): ESP Exome Variant Server 0.00041; gnomAD exomes 0.00155 and 0.00520; gnomAD 0.00186 and 0.00242; TOPMed 0.00340; ExAC 0.00801; 1000 Genomes Project 30x 0.00953; 1000 Genomes Project 0.01038.
gnomAD v4.1: 2,663 of 1,590,902 alleles (0.17%); highest among the groups gnomAD compares: East Asian, 4.7%; 53 homozygotes.

Submissions (5):

Labcorp Genetics (formerly Invitae), Labcorp
Classification: Benign. Last evaluated: 2026-02-01. Review status: criteria provided, single submitter. Criteria: Invitae Variant Classification Sherloc (09022015). Collection method: clinical testing. Allele origin: germline.

Mayo Clinic Laboratories, Mayo Clinic
Classification: Benign. Last evaluated: 2022-03-24. Review status: criteria provided, single submitter. Criteria: ACMG Guidelines, 2015. Collection method: clinical testing. Allele origin: germline. Observed: 2 variant alleles.

GeneDx
Classification: Benign. Last evaluated: 2021-05-04. Review status: criteria provided, single submitter. Criteria: GeneDx Variant Classification Process June 2021. Collection method: clinical testing. Allele origin: germline. Affected: yes.

Breakthrough Genomics
Classification: Benign. Review status: criteria provided, single submitter. Criteria: ACMG Guidelines, 2015. Collection method: not provided. Allele origin: germline. Inheritance: Autosomal recessive inheritance. Affected: yes.

PreventionGenetics, part of Exact Sciences
Classification: Benign for COL13A1-related condition. Last evaluated: 2019-05-10. Review status: no assertion criteria provided. Collection method: clinical testing. Allele origin: germline. Not counted in ClinVar's aggregate classification.
Comment: This variant is classified as benign based on ACMG/AMP sequence variant interpretation guidelines (Richards et al. 2015 PMID: 25741868, with internal and published modifications).